The following is an entry in ClinVar:

ClinVar aggregate classification (germline): Uncertain significance (1 of 4 stars; one submission).

Conditions:
Inborn genetic diseases. Identifiers: MedGen C0950123, MeSH D030342.

gnomAD v4.1: 5 of 1,613,422 alleles (0.00031%); highest among the groups gnomAD compares: East Asian, 0.0089%; no homozygotes.

Submission:

Ambry Genetics
Classification: Uncertain significance for Inborn genetic diseases. Last evaluated: 2026-02-24. Review status: criteria provided, single submitter. Criteria: Ambry Variant Classification Scheme 2023. Collection method: clinical testing. Allele origin: germline.
Comment: The c.475C>T (p.P159S) alteration is located in exon 3 (coding exon 3) of the SLC39A8 gene. This alteration results from a C to T substitution at nucleotide position 475, causing the proline (P) at amino acid position 159 to be replaced by a serine (S). Based on data from gnomAD, the T allele has an overall frequency of 0.001% (3/250900) total alleles studied. The highest observed frequency was 0.011% (2/18390) of East Asian alleles. Based on insufficient or conflicting evidence, the clinical significance of this alteration remains unclear.

NM_001135146.2(SLC39A8):c.475C>T (p.Pro159Ser)

Gene: SLC39A8 (solute carrier family 39 member 8; minus strand). Cytogenetic location: 4q24.
Variant type: single nucleotide variant.
Coding change: c.475C>T on transcript NM_001135146.2 (MANE Select); coding-DNA position 475, C replaced by T.
Protein change: p.Pro159Ser; replaces proline 159 with serine.
Molecular consequence: missense variant.
Genome position (GRCh38, 1-based): chr4:102,307,513, G>A on the plus strand (C>T on the coding strand, the complement: SLC39A8 is on the minus strand). VCF-style: chr4-102307513-G-A. GRCh37 (hg19) VCF-style: chr4-103228670-G-A.
Other names: c.475C>T, p.Pro159Ser (NM_001135147.1, NM_022154.5); c.274C>T, p.Pro92Ser (NM_001135148.2); short protein forms P159S, P92S.
Identifiers: ClinVar variation 4840336 (VCV004840336.1).